The following is an entry in ClinVar:

ClinVar aggregate classification (germline): Conflicting classifications of pathogenicity. Review status: criteria provided, conflicting classifications (1 of 4 stars). 3 submissions from 3 submitters: Uncertain significance (2); Likely benign (1). Last evaluated 2025-06-27.

Conditions:
Hereditary cancer-predisposing syndrome. Also called: Hereditary Cancer Syndrome; Neoplastic Syndromes, Hereditary; Tumor predisposition; Hereditary neoplastic syndrome. Identifiers: Orphanet 140162, MedGen C0027672, MeSH D009386, MONDO:0015356.
Ataxia-telangiectasia syndrome (AT). Also called: Cerebello-oculocutaneous telangiectasia; Immunodeficiency with ataxia telangiectasia; Ataxia-telangiectasia, complementation group E; Ataxia-telangiectasia, complementation group D; AT, COMPLEMENTATION GROUP C; ATAXIA-TELANGIECTASIA, COMPLEMENTATION GROUP A. Identifiers: Orphanet 100, MedGen C0004135, MONDO:0008840, OMIM 208900.

Allele frequency attached by ClinVar (database versions not stated): gnomAD exomes 0.00001; ExAC 0.00002.
gnomAD v4.1: 3 of 1,614,088 alleles (0.00019%); highest among the groups gnomAD compares: Non-Finnish European, 0.00025%; no homozygotes.

Submissions (3):

Ambry Genetics
Classification: Likely benign for Hereditary cancer-predisposing syndrome. Last evaluated: 2025-06-27. Review status: criteria provided, single submitter. Criteria: Ambry Variant Classification Scheme 2023. Collection method: clinical testing. Allele origin: germline.

Labcorp Genetics (formerly Invitae), Labcorp
Classification: Uncertain significance for Ataxia-telangiectasia syndrome. Last evaluated: 2023-08-30. Review status: criteria provided, single submitter. Criteria: Invitae Variant Classification Sherloc (09022015). Collection method: clinical testing. Allele origin: germline.
Comment: This sequence change replaces glycine, which is neutral and non-polar, with serine, which is neutral and polar, at codon 2043 of the ATM protein (p.Gly2043Ser). This variant is present in population databases (rs767939328, gnomAD 0.002%). This variant has not been reported in the literature in individuals affected with ATM-related conditions. ClinVar contains an entry for this variant (Variation ID: 524228). An algorithm developed to predict the effect of missense changes on protein structure and function (PolyPhen-2) suggests that this variant is likely to be tolerated. In summary, the available evidence is currently insufficient to determine the role of this variant in disease. Therefore, it has been classified as a Variant of Uncertain Significance.

GeneDx
Classification: Uncertain significance. Last evaluated: 2018-03-05. Review status: criteria provided, single submitter. Criteria: GeneDx Variant Classification Process June 2021. Collection method: clinical testing. Allele origin: germline. Affected: yes.
Comment: Not observed at significant frequency in large population cohorts (Lek et al., 2016); In silico analysis supports that this missense variant does not alter protein structure/function; Has not been previously published as pathogenic or benign to our knowledge

NM_000051.4(ATM):c.6127G>A (p.Gly2043Ser)

Genes: ATM (ATM serine/threonine kinase; plus strand), C11orf65 (chromosome 11 open reading frame 65; minus strand). Cytogenetic location: 11q22.3.
Variant type: single nucleotide variant.
Coding change: c.6127G>A on transcript NM_000051.4 (MANE Select); coding-DNA position 6127, G replaced by A.
Protein change: p.Gly2043Ser; replaces glycine 2043 with serine.
Molecular consequence: missense variant. On other transcripts: intron variant (2).
Genome position (GRCh38, 1-based): chr11:108,316,042, G>A. VCF-style: chr11-108316042-G-A. GRCh37 (hg19) VCF-style: chr11-108186769-G-A.
Other names: c.6127G>A, p.Gly2043Ser (NM_001351834.2); c.641-6971C>T (NM_001330368.2); c.*39-6971C>T (NM_001351110.2); short protein forms G2043S.
Identifiers: ClinVar variation 524228 (VCV000524228.17), dbSNP rs767939328, ClinGen allele CA6265868.